The following is an entry in ClinVar:

NM_021831.6(AGBL5):c.608T>G (p.Leu203Arg)

Gene: AGBL5 (AGBL carboxypeptidase 5; plus strand). Cytogenetic location: 2p23.3.
Variant type: single nucleotide variant.
Coding change: c.608T>G on transcript NM_021831.6 (MANE Select); coding-DNA position 608, T replaced by G.
Protein change: p.Leu203Arg; replaces leucine 203 with arginine.
Molecular consequence: missense variant. On other transcripts: non-coding transcript variant (2).
Genome position (GRCh38, 1-based): chr2:27,054,686, T>G. VCF-style: chr2-27054686-T-G. GRCh37 (hg19) VCF-style: chr2-27277554-T-G.
Other names: c.608T>G, p.Leu203Arg (NM_001035507.3); short protein forms L203R.
Identifiers: ClinVar variation 935500 (VCV000935500.9), dbSNP rs201705280, ClinGen allele CA1567684.
Genomic context (GRCh38, chr2:27,054,686, plus strand): 5'-GTAGCCCCCTGGATACCATCTATTACCATCGGGAGCTCCTTTGCTATTCTCTGGATGGAC[T>G]TCGTGTAGATCTGCTGACGATCACTTCCTGCCATGGGCTTCGAGAAGATCGAGAGCCCCG-3'
Protein context (NP_068603.4, residues 193-213): RELLCYSLDG[Leu203Arg]RVDLLTITSC

ClinVar aggregate classification (germline): Uncertain significance. Review status: criteria provided, multiple submitters, no conflicts (2 of 4 stars). 3 submissions from 3 submitters: Uncertain significance (3). Last evaluated 2024-02-24.

Conditions:
Inborn genetic diseases. Identifiers: MedGen C0950123, MeSH D030342.

Allele frequency attached by ClinVar (database versions not stated): gnomAD exomes below 0.00001 and 0.00001; ExAC 0.00001; gnomAD 0.00001.
gnomAD v4.1: 11 of 1,614,112 alleles (0.00068%); highest among the groups gnomAD compares: Admixed American, 0.0033%; no homozygotes.

Submissions (3):

Labcorp Genetics (formerly Invitae), Labcorp
Classification: Uncertain significance. Last evaluated: 2024-02-24. Review status: criteria provided, single submitter. Criteria: Invitae Variant Classification Sherloc (09022015). Collection method: clinical testing. Allele origin: germline.
Comment: This sequence change replaces leucine, which is neutral and non-polar, with arginine, which is basic and polar, at codon 203 of the AGBL5 protein (p.Leu203Arg). This variant is present in population databases (rs201705280, gnomAD 0.006%). This variant has not been reported in the literature in individuals affected with AGBL5-related conditions. ClinVar contains an entry for this variant (Variation ID: 935500). An algorithm developed to predict the effect of missense changes on protein structure and function (PolyPhen-2) suggests that this variant is likely to be tolerated. In summary, the available evidence is currently insufficient to determine the role of this variant in disease. Therefore, it has been classified as a Variant of Uncertain Significance.

Blueprint Genetics
Classification: Uncertain significance. Last evaluated: 2023-09-14. Review status: criteria provided, single submitter. Criteria: ACMG Guidelines, 2015. Collection method: clinical testing. Allele origin: germline.

Ambry Genetics
Classification: Uncertain significance for Inborn genetic diseases. Last evaluated: 2021-09-27. Review status: criteria provided, single submitter. Criteria: Ambry Variant Classification Scheme 2023. Collection method: clinical testing. Allele origin: germline.